The following is an entry in ClinVar:

NM_001044385.3(TMEM237):c.1173del (p.Ser392fs)

Gene: TMEM237 (transmembrane protein 237; minus strand). Cytogenetic location: 2q33.1.
Variant type: Deletion.
Coding change: c.1173del on transcript NM_001044385.3 (MANE Select); coding-DNA position 1173, one base deleted (C; older notation c.1173delC).
Protein change: p.Ser392fs; shifts the reading frame from serine 392.
Molecular consequence: frameshift variant.
Genome position (GRCh38, 1-based): chr2:201,624,309, G deleted on the plus strand (C on the coding strand, the reverse complement: TMEM237 is on the minus strand); the first of 2 consecutive G bases (chr2:201,624,309-201,624,310); deleting either gives the same sequence. VCF-style (leftmost placement, unchanged base first): chr2-201624308-AG-A. GRCh37 (hg19) VCF-style: chr2-202489031-AG-A.
Other names: c.1149del, p.Ser384fs (NM_152388.4); short protein forms S384fs, S392fs.
Identifiers: ClinVar variation 423560 (VCV000423560.9), dbSNP rs763176756, ClinGen allele CA2056277.

ClinVar aggregate classification (germline): Uncertain significance. Review status: criteria provided, multiple submitters, no conflicts (2 of 4 stars). 3 submissions from 3 submitters: Uncertain significance (3). Last evaluated 2024-02-16.

Conditions:
Joubert syndrome 14 (JBTS14). Identifiers: MedGen C3280766, MONDO:0013745, OMIM 614424.

Submissions (3):

Labcorp Genetics (formerly Invitae), Labcorp
Classification: Uncertain significance for Joubert syndrome 14. Last evaluated: 2024-02-16. Review status: criteria provided, single submitter. Criteria: Invitae Variant Classification Sherloc (09022015). Collection method: clinical testing. Allele origin: germline.
Comment: This sequence change results in a frameshift in the TMEM237 gene (p.Ser392Glnfs*26). While this is not anticipated to result in nonsense mediated decay, it is expected to disrupt the last 17 amino acid(s) of the TMEM237 protein and extend the protein by 8 additional amino acid residues. This variant is present in population databases (rs763176756, gnomAD 0.007%). This variant has not been reported in the literature in individuals affected with TMEM237-related conditions. ClinVar contains an entry for this variant (Variation ID: 423560). Experimental studies and prediction algorithms are not available or were not evaluated, and the functional significance of this variant is currently unknown. In summary, the available evidence is currently insufficient to determine the role of this variant in disease. Therefore, it has been classified as a Variant of Uncertain Significance.

Blueprint Genetics
Classification: Uncertain significance. Last evaluated: 2024-02-07. Review status: criteria provided, single submitter. Criteria: ACMG Guidelines, 2015. Collection method: clinical testing. Allele origin: germline.

GeneDx
Classification: Uncertain significance. Last evaluated: 2017-02-07. Review status: criteria provided, single submitter. Criteria: GeneDx Variant Classification (06012015). Collection method: clinical testing. Allele origin: germline. Affected: yes.
Comment: The c.1173delC variant in the TMEM237 gene has not been reported previously as a pathogenic variant nor as a benign variant, to our knowledge. The c.1173delC variant causes a frameshift starting with codon Serine 392, changes this amino acid to a Glutamine residue, and creates a premature Stop codon at position 26 of the new reading frame, denoted p.Ser392GlnfsX26. This variant causes the last 17 amnio acids to be replaced with 25 incorrect amnio acids. The c.1173delC variant is not observed at a significant frequency in large population cohorts (Lek et al., 2016; 1000 Genomes Consortium et al., 2015; Exome Variant Server). We interpret c.1173delC as a variant of uncertain significance.